The following is an entry in ClinVar:

ClinVar aggregate classification (germline): Uncertain significance (1 of 4 stars; one submission).

Conditions:
46,XY sex reversal 9 (SRXY9). Also called: 46,XY SEX REVERSAL, ZFPM2-RELATED. Identifiers: Orphanet 251510, MedGen C4015129, MONDO:0014480, OMIM 616067.

Submission:

Labcorp Genetics (formerly Invitae), Labcorp
Classification: Uncertain significance for 46,XY sex reversal 9. Last evaluated: 2024-11-06. Review status: criteria provided, single submitter. Criteria: Invitae Variant Classification Sherloc (09022015). Collection method: clinical testing. Allele origin: germline.
Comment: This sequence change replaces methionine, which is neutral and non-polar, with threonine, which is neutral and polar, at codon 544 of the ZFPM2 protein (p.Met544Thr). This variant is not present in population databases (gnomAD no frequency). This variant has not been reported in the literature in individuals affected with ZFPM2-related conditions. An algorithm developed to predict the effect of missense changes on protein structure and function (PolyPhen-2) suggests that this variant is likely to be tolerated. In summary, the available evidence is currently insufficient to determine the role of this variant in disease. Therefore, it has been classified as a Variant of Uncertain Significance.

NM_012082.4(ZFPM2):c.1631T>C (p.Met544Thr)

Genes: ZFPM2 (zinc finger protein, FOG family member 2; plus strand), ZFPM2-AS1 (ZFPM2 antisense RNA 1; minus strand). Cytogenetic location: 8q23.1.
Variant type: single nucleotide variant.
Coding change: c.1631T>C on transcript NM_012082.4 (MANE Select); coding-DNA position 1631, T replaced by C.
Protein change: p.Met544Thr; replaces methionine 544 with threonine.
Molecular consequence: missense variant.
Genome position (GRCh38, 1-based): chr8:105,801,713, T>C. VCF-style: chr8-105801713-T-C. GRCh37 (hg19) VCF-style: chr8-106813941-T-C.
Other names: c.1472T>C, p.Met491Thr (NM_001362836.2); c.1235T>C, p.Met412Thr (NM_001362837.2); short protein forms M544T, M412T, M491T.
Identifiers: ClinVar variation 3720122 (VCV003720122.2).